The following is an entry in ClinVar:

NM_181458.4(PAX3):c.674C>T (p.Thr225Ile)

Gene: PAX3 (paired box 3; minus strand). Cytogenetic location: 2q36.1.
Variant type: single nucleotide variant.
Coding change: c.674C>T on transcript NM_181458.4 (MANE Select); coding-DNA position 674, C replaced by T.
Protein change: p.Thr225Ile; replaces threonine 225 with isoleucine.
Molecular consequence: missense variant.
Genome position (GRCh38, 1-based): chr2:222,232,196, G>A on the plus strand (C>T on the coding strand, the complement: PAX3 is on the minus strand). VCF-style: chr2-222232196-G-A. GRCh37 (hg19) VCF-style: chr2-223096915-G-A.
Other names: c.671C>T, p.Thr224Ile (NM_001127366.3); c.674C>T, p.Thr225Ile (NM_181457.4, NM_181459.4, NM_181460.4 and 1 more transcripts); short protein forms T224I, T225I.
Identifiers: ClinVar variation 4688925 (VCV004688925.1).

ClinVar aggregate classification (germline): Uncertain significance (1 of 4 stars; one submission).

gnomAD v4.1: 10 of 1,614,088 alleles (0.00062%); highest among the groups gnomAD compares: Non-Finnish European, 0.00085%; no homozygotes.

Submission:

Women's Health and Genetics/Laboratory Corporation of America, LabCorp
Classification: Uncertain significance. Last evaluated: 2025-12-22. Review status: criteria provided, single submitter. Criteria: LabCorp Variant Classification Summary - May 2015. Collection method: clinical testing. Allele origin: germline.
Comment: Variant summary: PAX3 c.674C>T (p.Thr225Ile) results in a non-conservative amino acid change in the encoded protein sequence. Algorithms developed to predict the effect of missense changes on protein structure and function all suggest that this variant is likely to be disruptive. The variant allele was found at a frequency of 8e-06 in 251338 control chromosomes. The available data on variant occurrences in the general population are insufficient to allow any conclusion about variant significance. To our knowledge, no occurrence of c.674C>T in individuals affected with PAX3-related conditions and no experimental evidence demonstrating its impact on protein function have been reported. No submitters have cited clinical-significance assessments for this variant to ClinVar. Based on the evidence outlined above, the variant was classified as uncertain significance.